The following is an entry in ClinVar:

NM_002769.5(PRSS1):c.470A>C (p.Glu157Ala)

Genes: PRSS1 (serine protease 1; plus strand), TRB (T cell receptor beta locus; plus strand). Cytogenetic location: 7q34.
Variant type: single nucleotide variant.
Coding change: c.470A>C on transcript NM_002769.5 (MANE Select); coding-DNA position 470, A replaced by C.
Protein change: p.Glu157Ala; replaces glutamic acid 157 with alanine.
Molecular consequence: missense variant. On other transcripts: non-coding transcript variant (5).
Genome position (GRCh38, 1-based): chr7:142,752,446, A>C. VCF-style: chr7-142752446-A-C. GRCh37 (hg19) VCF-style: chr7-142460297-A-C.
Other names: short protein forms E157A.
Identifiers: ClinVar variation 5027403 (VCV005027403.1).

ClinVar aggregate classification (germline): Uncertain significance (1 of 4 stars; one submission).

Conditions:
Hereditary pancreatitis (PCTT). Also called: Hereditary chronic pancreatitis; PRSS1-Related Hereditary Pancreatitis. Identifiers: Orphanet 676, MedGen C0238339, MONDO:0008185, OMIM 167800.

Submission:

Ambry Genetics
Classification: Uncertain significance for Hereditary pancreatitis. Last evaluated: 2026-09-05. Review status: criteria provided, single submitter. Criteria: Ambry Variant Classification Scheme 2023. Collection method: clinical testing. Allele origin: germline.
Comment: The p.E157A variant (also known as c.470A>C), located in coding exon 4 of the PRSS1 gene, results from an A to C substitution at nucleotide position 470. The glutamic acid at codon 157 is replaced by alanine, an amino acid with dissimilar properties. This amino acid position is conserved. In addition, this alteration is predicted to be tolerated by in silico analysis. Based on the available evidence, the clinical significance of this variant remains unclear.